The following is an entry in ClinVar:

NM_015466.4(PTPN23):c.2712T>G (p.Ala904=)

Gene: PTPN23 (protein tyrosine phosphatase non-receptor type 23; plus strand). Cytogenetic location: 3p21.31.
Variant type: single nucleotide variant.
Coding change: c.2712T>G on transcript NM_015466.4 (MANE Select); coding-DNA position 2712, T replaced by G.
Protein change: p.Ala904=; no amino-acid change (alanine 904 retained).
Molecular consequence: synonymous variant.
Genome position (GRCh38, 1-based): chr3:47,410,510, T>G. VCF-style: chr3-47410510-T-G. GRCh37 (hg19) VCF-style: chr3-47452000-T-G.
Other names: c.2334T>G, p.Ala778= (NM_001304482.2).
Identifiers: ClinVar variation 3043587 (VCV003043587.2), dbSNP rs1160024817, ClinGen allele CA433605360.
Genomic context (GRCh38, chr3:47,410,510, plus strand): 5'-AGATAGCATCCAGGCGCCCATCCCCAGCCACACAGCCCCACGGCCAAACCCCACCCCTGC[T>G]CCTCCCCCGCCCTGCTTCCCTGTGCCCCCACCGCAGCCACTGCCCACGCCTTACACCTAC-3'
Protein context (NP_056281.1, residues 894-914): HTAPRPNPTP[Ala904=]PPPPCFPVPP

ClinVar aggregate classification (germline): Likely benign (0 of 4 stars; one submission).

Conditions:
PTPN23-related disorder. Also called: PTPN23-related condition.

Submission:

PreventionGenetics, part of Exact Sciences
Classification: Likely benign for PTPN23-related condition. Last evaluated: 2019-06-07. Review status: no assertion criteria provided. Collection method: clinical testing. Allele origin: germline.
Comment: This variant is classified as likely benign based on ACMG/AMP sequence variant interpretation guidelines (Richards et al. 2015 PMID: 25741868, with internal and published modifications).